The following is an entry in ClinVar:

NM_000553.6(WRN):c.1588C>T (p.Pro530Ser)

Gene: WRN (WRN RecQ like helicase; plus strand). Cytogenetic location: 8p12.
Variant type: single nucleotide variant.
Coding change: c.1588C>T on transcript NM_000553.6 (MANE Select); coding-DNA position 1588, C replaced by T.
Protein change: p.Pro530Ser; replaces proline 530 with serine.
Molecular consequence: missense variant.
Genome position (GRCh38, 1-based): chr8:31,088,901, C>T. VCF-style: chr8-31088901-C-T. GRCh37 (hg19) VCF-style: chr8-30946417-C-T.
Other names: short protein forms P530S.
Identifiers: ClinVar variation 2420307 (VCV002420307.6), dbSNP rs1554522734, ClinGen allele CA370926074.

ClinVar aggregate classification (germline): Uncertain significance (1 of 4 stars; one submission).

Conditions:
Werner syndrome (WRN). Identifiers: Orphanet 902, MedGen C0043119, MONDO:0010196, OMIM 277700.

Submission:

Labcorp Genetics (formerly Invitae), Labcorp
Classification: Uncertain significance for Werner syndrome. Last evaluated: 2021-12-24. Review status: criteria provided, single submitter. Criteria: Invitae Variant Classification Sherloc (09022015). Collection method: clinical testing. Allele origin: germline.
Comment: This sequence change replaces proline, which is neutral and non-polar, with serine, which is neutral and polar, at codon 530 of the WRN protein (p.Pro530Ser). This variant is not present in population databases (gnomAD no frequency). This variant has not been reported in the literature in individuals affected with WRN-related conditions. Algorithms developed to predict the effect of missense changes on protein structure and function are either unavailable or do not agree on the potential impact of this missense change (SIFT: "Not Available"; PolyPhen-2: "Probably Damaging"; Align-GVGD: "Not Available"). Algorithms developed to predict the effect of sequence changes on RNA splicing suggest that this variant may create or strengthen a splice site. In summary, the available evidence is currently insufficient to determine the role of this variant in disease. Therefore, it has been classified as a Variant of Uncertain Significance.